The following is an entry in ClinVar:

ClinVar aggregate classification (germline): Likely benign (1 of 4 stars; one submission).

Submission:

CeGaT Center for Human Genetics Tuebingen
Classification: Likely benign. Last evaluated: 2026-01-01. Review status: criteria provided, single submitter. Criteria: CeGaT Center For Human Genetics Tuebingen Variant Classification Criteria Version 2. Collection method: clinical testing. Allele origin: germline. Affected: yes. Observed: 1 variant allele.
Comment: PRR21: PM2:Supporting, BP4, BP7

NC_000002.12:g.240042782A>G

Gene: PRR21 (proline rich 21; minus strand). Cytogenetic location: 2q37.3.
Variant type: single nucleotide variant.
Genome position: GRCh38 VCF-style: chr2-240042782-A-G. GRCh37 (hg19) VCF-style: chr2-240982199-A-G.
Identifiers: ClinVar variation 4822766 (VCV004822766.4).